The following is an entry in ClinVar:

ClinVar aggregate classification (germline): Conflicting classifications of pathogenicity. Review status: criteria provided, conflicting classifications (1 of 4 stars). 4 submissions from 4 submitters: Uncertain significance (3); Likely benign (1). Last evaluated 2025-06-08.

Conditions:
Fanconi renotubular syndrome 4 with maturity-onset diabetes of the young (FRTS4). Also called: FRTS4 WITH MODY. Identifiers: Orphanet 93111, MedGen C4014962, MONDO:0014458, OMIM 616026.
Maturity-onset diabetes of the young type 1. Also called: MODY, type I; MILD JUVENILE DIABETES MELLITUS; MODY type 1; Diabetes mellitus MODY type 1; MODY HNF4A related; HNF4A-Related Maturity-Onset Diabetes of the Young Type 1. Identifiers: Orphanet 552, MedGen C1852093, MONDO:0007452, OMIM 125850. Disease mechanism: loss of function.
Type 2 diabetes mellitus. Also called: Type II diabetes mellitus. Identifiers: MedGen C0011860, MeSH D003924, MONDO:0005148, OMIM 125853, HP:0005978.

Allele frequency attached by ClinVar (database versions not stated): gnomAD exomes 0.00001 and 0.00009; gnomAD 0.00002 and 0.00003; TOPMed 0.00004; ExAC 0.00006; 1000 Genomes Project 0.00040; 1000 Genomes Project 30x 0.00047.
gnomAD v4.1: 36 of 1,613,052 alleles (0.0022%); highest among the groups gnomAD compares: East Asian, 0.049%; no homozygotes.

Submissions (4):

Labcorp Genetics (formerly Invitae), Labcorp
Classification: Uncertain significance. Last evaluated: 2025-06-08. Review status: criteria provided, single submitter. Criteria: Invitae Variant Classification Sherloc (09022015). Collection method: clinical testing. Allele origin: germline.
Comment: This sequence change replaces serine, which is neutral and polar, with glycine, which is neutral and non-polar, at codon 281 of the HNF4A protein (p.Ser281Gly). This variant is present in population databases (rs201777208, gnomAD 0.1%), and has an allele count higher than expected for a pathogenic variant. This missense change has been observed in individual(s) with maturity-onset diabetes of the young (MODY) (PMID: 30191644). ClinVar contains an entry for this variant (Variation ID: 1407239). Invitae Evidence Modeling of protein sequence and biophysical properties (such as structural, functional, and spatial information, amino acid conservation, physicochemical variation, residue mobility, and thermodynamic stability) has been performed for this missense variant. However, the output from this modeling did not meet the statistical confidence thresholds required to predict the impact of this variant on HNF4A protein function. In summary, the available evidence is currently insufficient to determine the role of this variant in disease. Therefore, it has been classified as a Variant of Uncertain Significance.

Women's Health and Genetics/Laboratory Corporation of America, LabCorp
Classification: Likely benign. Last evaluated: 2025-02-10. Review status: criteria provided, single submitter. Criteria: LabCorp Variant Classification Summary - May 2015. Collection method: clinical testing. Allele origin: germline.

Fulgent Genetics
Classification: Uncertain significance for Maturity-onset diabetes of the young type 1; Type 2 diabetes mellitus; Fanconi renotubular syndrome 4 with maturity-onset diabetes of the young. Last evaluated: 2024-02-09. Review status: criteria provided, single submitter. Criteria: ACMG Guidelines, 2015. Collection method: clinical testing. Allele origin: germline.

ARUP Laboratories, Molecular Genetics and Genomics, ARUP Laboratories
Classification: Uncertain significance. Last evaluated: 2023-08-08. Review status: criteria provided, single submitter. Criteria: ARUP Molecular Germline Variant Investigation Process 2024. Collection method: clinical testing. Allele origin: germline.
Comment: The HNF4A c.907A>G; p.Ser303Gly variant (rs201777208) is reported in an individual with presumed antibody-positive type 1 diabetes mellitus (Johnson 2019). This variant is also reported in ClinVar (Variation ID: 1407239). It is observed in the general population with an overall allele frequency of 0.008% (23/278270 alleles) in the Genome Aggregation Database. Computational analyses are uncertain whether this variant is neutral or deleterious (REVEL: 0.682). Due to limited information, the clinical significance of this variant is uncertain at this time. References: Johnson SR et al. Comprehensive genetic screening: The prevalence of maturity-onset diabetes of the young gene variants in a population-based childhood diabetes cohort. Pediatr Diabetes. 2019 Feb;20(1):57-64. PMID: 30191644.

Literature cited by the submitters: PubMed 30191644 (cited by Labcorp Genetics (formerly Invitae), Labcorp).

NM_175914.5(HNF4A):c.841A>G (p.Ser281Gly)

Gene: HNF4A (hepatocyte nuclear factor 4 alpha; plus strand). Cytogenetic location: 20q13.12.
Variant type: single nucleotide variant.
Coding change: c.841A>G on transcript NM_175914.5 (MANE Select); coding-DNA position 841, A replaced by G.
Protein change: p.Ser281Gly; replaces serine 281 with glycine.
Molecular consequence: missense variant.
Genome position (GRCh38, 1-based): chr20:44,424,032, A>G. VCF-style: chr20-44424032-A-G. GRCh37 (hg19) VCF-style: chr20-43052672-A-G.
Other names: c.907A>G, p.Ser303Gly (NM_000457.6, NM_178849.3, NM_178850.3); c.841A>G, p.Ser281Gly (NM_001030003.3, NM_001030004.3); c.886A>G, p.Ser296Gly (NM_001258355.2); c.832A>G, p.Ser278Gly (NM_001287182.2, NM_001287183.2, NM_001287184.2); c.841A>G (NM_175914.4); short protein forms S296G, S281G, S303G, S278G.
Identifiers: ClinVar variation 1407239 (VCV001407239.11), dbSNP rs201777208, ClinGen allele CA9870391.